The following is an entry in ClinVar:

NM_000146.4(FTL):c.431A>T (p.Lys144Met)

Gene: FTL (ferritin light chain; plus strand). Cytogenetic location: 19q13.33.
Variant type: single nucleotide variant.
Coding change: c.431A>T on transcript NM_000146.4 (MANE Select); coding-DNA position 431, A replaced by T.
Protein change: p.Lys144Met; replaces lysine 144 with methionine.
Molecular consequence: missense variant.
Genome position (GRCh38, 1-based): chr19:48,966,638, A>T. VCF-style: chr19-48966638-A-T. GRCh37 (hg19) VCF-style: chr19-49469895-A-T.
Other names: c.431A>T (NM_000146.3); short protein forms K144M.
Identifiers: ClinVar variation 4786518 (VCV004786518.2).

ClinVar aggregate classification (germline): Uncertain significance. Review status: criteria provided, multiple submitters, no conflicts (2 of 4 stars). 2 submissions from 2 submitters: Uncertain significance (2). Last evaluated 2026-01-21.

Conditions:
Inborn genetic diseases. Identifiers: MedGen C0950123, MeSH D030342.
Hereditary hyperferritinemia with congenital cataracts. Also called: HYPERFERRITINEMIA WITH OR WITHOUT CATARACT; Hereditary hyperferritinemia cataract syndrome; Bonneau-Beaumont syndrome. Identifiers: Orphanet 163, MedGen C1833213, MONDO:0010952, OMIM 600886.
Neuroferritinopathy (NBIA3). Also called: NEURODEGENERATION WITH BRAIN IRON ACCUMULATION 3; BASAL GANGLIA DISEASE, ADULT-ONSET. Identifiers: Orphanet 157846, MedGen C1853578, MONDO:0011638, OMIM 606159.

Submissions (2):

Ambry Genetics
Classification: Uncertain significance for Inborn genetic diseases. Last evaluated: 2026-01-21. Review status: criteria provided, single submitter. Criteria: Ambry Variant Classification Scheme 2023. Collection method: clinical testing. Allele origin: germline.

Labcorp Genetics (formerly Invitae), Labcorp
Classification: Uncertain significance for Neuroferritinopathy; Hereditary hyperferritinemia with congenital cataracts. Last evaluated: 2025-10-27. Review status: criteria provided, single submitter. Criteria: Invitae Variant Classification Sherloc (09022015). Collection method: clinical testing. Allele origin: germline.
Comment: This sequence change replaces lysine, which is basic and polar, with methionine, which is neutral and non-polar, at codon 144 of the FTL protein (p.Lys144Met). This variant is not present in population databases (gnomAD no frequency). This variant has not been reported in the literature in individuals affected with FTL-related conditions. An algorithm developed to predict the effect of missense changes on protein structure and function (PolyPhen-2) suggests that this variant is likely to be disruptive. In summary, the available evidence is currently insufficient to determine the role of this variant in disease. Therefore, it has been classified as a Variant of Uncertain Significance.